The following is an entry in ClinVar:

ClinVar aggregate classification (germline): Likely pathogenic (1 of 4 stars; one submission).

Conditions:
VPS13A-related neurodegenerative disease. Also called: LEVINE-CRITCHLEY SYNDROME; Choreoacanthocytosis; Chorea-acanthocytosis; ACANTHOCYTOSIS WITH NEUROLOGIC DISORDER; VPS13A Disease; Choreaacanthocytosis. Identifiers: Orphanet 2388, MedGen C0393576, MONDO:0008695, OMIM 200150.

Submission:

Natera, Inc.
Classification: Likely pathogenic for Choreaacanthocytosis. Last evaluated: 2026-01-18. Review status: criteria provided, single submitter. Criteria: Natera Variant Classification Schema (03/2026). Collection method: clinical testing. Allele origin: germline.
Comment: The c.7806+1G>C variant in VPS13A is a canonical splice donor site variant predicted to affect pre-mRNA splicing, which may result in an abnormal transcript and altered protein product. This variant is expected to result in nonsense mediated decay, truncation, or a dysfunctional protein product. This variant is rare in the general population with a frequency below the threshold expected for the associated phenotype(s). Given the available evidence, this variant is classified as Likely Pathogenic.

NM_033305.3(VPS13A):c.7806+1G>C

Gene: VPS13A (vacuolar protein sorting 13 homolog A; plus strand). Cytogenetic location: 9q21.2.
Variant type: single nucleotide variant.
Coding change: c.7806+1G>C on transcript NM_033305.3 (MANE Select); the canonical splice donor site of the intron after coding-DNA position 7806, G replaced by C.
Molecular consequence: splice donor variant.
Genome position (GRCh38, 1-based): chr9:77,356,868, G>C. VCF-style: chr9-77356868-G-C. GRCh37 (hg19) VCF-style: chr9-79971784-G-C.
Other names: c.7689+1G>C (NM_001018037.2); c.7806+1G>C (NM_015186.4, NM_001018038.3).
Identifiers: ClinVar variation 4816425 (VCV004816425.1).
Genomic context (GRCh38, chr9:77,356,868, plus strand): 5'-GAATATACTGAATCTTCTCCTTCAGAAGATAAGGTTATTCAGTTGGACACTAATGTTCCG[G>C]TAATATTTTTAAGTACTGATGTGAAGTTTTAATTTTTTGCCTGTCGTAGTTTGGTGAATC-3'